The following is an entry in ClinVar:

ClinVar aggregate classification (germline): Uncertain significance (1 of 4 stars; one submission).

Conditions:
Kufor-Rakeb syndrome (KRS). Also called: PARKINSON DISEASE 9, AUTOSOMAL RECESSIVE, JUVENILE-ONSET. Identifiers: Orphanet 306674, Orphanet 314632, MedGen C1847640, MONDO:0011706, OMIM 606693.
Autosomal recessive spastic paraplegia type 78. Identifiers: Orphanet 513436, MedGen C5567893, MONDO:0014975, OMIM 617225.

Allele frequency attached by ClinVar (database versions not stated): gnomAD exomes 0.00001.
gnomAD v4.1: 5 of 1,613,706 alleles (0.00031%); highest among the groups gnomAD compares: Non-Finnish European, 0.00042%; no homozygotes.

Submission:

Labcorp Genetics (formerly Invitae), Labcorp
Classification: Uncertain significance for Kufor-Rakeb syndrome; Autosomal recessive spastic paraplegia type 78. Last evaluated: 2025-02-03. Review status: criteria provided, single submitter. Criteria: Invitae Variant Classification Sherloc (09022015). Collection method: clinical testing. Allele origin: germline.
Comment: This sequence change replaces serine, which is neutral and polar, with arginine, which is basic and polar, at codon 116 of the ATP13A2 protein (p.Ser116Arg). This variant is not present in population databases (gnomAD no frequency). This variant has not been reported in the literature in individuals affected with ATP13A2-related conditions. ClinVar contains an entry for this variant (Variation ID: 1015771). An algorithm developed to predict the effect of missense changes on protein structure and function (PolyPhen-2) suggests that this variant is likely to be tolerated. In summary, the available evidence is currently insufficient to determine the role of this variant in disease. Therefore, it has been classified as a Variant of Uncertain Significance.

NM_022089.4(ATP13A2):c.348C>G (p.Ser116Arg)

Gene: ATP13A2 (ATPase cation transporting 13A2; minus strand). Cytogenetic location: 1p36.13.
Variant type: single nucleotide variant.
Coding change: c.348C>G on transcript NM_022089.4 (MANE Select); coding-DNA position 348, C replaced by G.
Protein change: p.Ser116Arg; replaces serine 116 with arginine.
Molecular consequence: missense variant.
Genome position (GRCh38, 1-based): chr1:17,004,821, G>C on the plus strand (C>G on the coding strand, the complement: ATP13A2 is on the minus strand). VCF-style: chr1-17004821-G-C. GRCh37 (hg19) VCF-style: chr1-17331316-G-C.
Other names: c.348C>G, p.Ser116Arg (NM_001141973.3, NM_001141974.3); short protein forms S116R.
Identifiers: ClinVar variation 1015771 (VCV001015771.5), dbSNP rs2077491125, ClinGen allele CA338263633.